The following is an entry in ClinVar:

NM_177438.3(DICER1):c.1781T>C (p.Val594Ala)

Gene: DICER1 (dicer 1, ribonuclease III; minus strand). Cytogenetic location: 14q32.13.
Variant type: single nucleotide variant.
Coding change: c.1781T>C on transcript NM_177438.3 (MANE Select); coding-DNA position 1781, T replaced by C.
Protein change: p.Val594Ala; replaces valine 594 with alanine.
Molecular consequence: missense variant.
Genome position (GRCh38, 1-based): chr14:95,115,793, A>G on the plus strand (T>C on the coding strand, the complement: DICER1 is on the minus strand). VCF-style: chr14-95115793-A-G. GRCh37 (hg19) VCF-style: chr14-95582130-A-G.
Other names: c.1781T>C, p.Val594Ala (NM_001195573.1, NM_001271282.3, NM_001291628.2 and 1 more transcripts); short protein forms V594A.
Identifiers: ClinVar variation 639184 (VCV000639184.15), dbSNP rs1595406996, ClinGen allele CA390884143.

ClinVar aggregate classification (germline): Uncertain significance. Review status: criteria provided, multiple submitters, no conflicts (2 of 4 stars). 2 submissions from 2 submitters: Uncertain significance (2). Last evaluated 2025-10-01.

Conditions:
DICER1-related tumor predisposition. Also called: DICER1-related pleuropulmonary blastoma cancer predisposition syndrome; DICER1 syndrome. Identifiers: Orphanet 284343, MedGen C3839822, MONDO:0100216.
Hereditary cancer-predisposing syndrome. Also called: Hereditary Cancer Syndrome; Neoplastic Syndromes, Hereditary; Tumor predisposition; Hereditary neoplastic syndrome. Identifiers: Orphanet 140162, MedGen C0027672, MeSH D009386, MONDO:0015356.

Submissions (2):

Labcorp Genetics (formerly Invitae), Labcorp
Classification: Uncertain significance for DICER1-related tumor predisposition. Last evaluated: 2025-10-01. Review status: criteria provided, single submitter. Criteria: Invitae Variant Classification Sherloc (09022015). Collection method: clinical testing. Allele origin: germline.
Comment: This sequence change replaces valine, which is neutral and non-polar, with alanine, which is neutral and non-polar, at codon 594 of the DICER1 protein (p.Val594Ala). This variant is not present in population databases (gnomAD no frequency). This variant has not been reported in the literature in individuals affected with DICER1-related conditions. ClinVar contains an entry for this variant (Variation ID: 639184). Invitae Evidence Modeling of protein sequence and biophysical properties (such as structural, functional, and spatial information, amino acid conservation, physicochemical variation, residue mobility, and thermodynamic stability) indicates that this missense variant is not expected to disrupt DICER1 protein function with a negative predictive value of 95%. In summary, the available evidence is currently insufficient to determine the role of this variant in disease. Therefore, it has been classified as a Variant of Uncertain Significance.

Ambry Genetics
Classification: Uncertain significance for Hereditary cancer-predisposing syndrome. Last evaluated: 2023-07-10. Review status: criteria provided, single submitter. Criteria: Ambry Variant Classification Scheme 2023. Collection method: clinical testing. Allele origin: germline.
Comment: The p.V594A variant (also known as c.1781T>C), located in coding exon 10 of the DICER1 gene, results from a T to C substitution at nucleotide position 1781. The valine at codon 594 is replaced by alanine, an amino acid with similar properties. This amino acid position is not well conserved in available vertebrate species. In addition, this alteration is predicted to be tolerated by in silico analysis. Since supporting evidence is limited at this time, the clinical significance of this alteration remains unclear.